The following is an entry in ClinVar:

ClinVar aggregate classification (germline): Pathogenic (1 of 4 stars; one submission).

Submission:

Labcorp Genetics (formerly Invitae), Labcorp
Classification: Pathogenic. Last evaluated: 2023-02-24. Review status: criteria provided, single submitter. Criteria: Invitae Variant Classification Sherloc (09022015). Collection method: clinical testing. Allele origin: germline.
Comment: For these reasons, this variant has been classified as Pathogenic. This variant has not been reported in the literature in individuals affected with ADGRV1-related conditions. This variant is not present in population databases (gnomAD no frequency). This sequence change creates a premature translational stop signal (p.Thr4750Metfs*8) in the ADGRV1 gene. It is expected to result in an absent or disrupted protein product. Loss-of-function variants in ADGRV1 are known to be pathogenic (PMID: 19357117, 22135276, 22147658, 26226137, 30718709, 31047384, 32467589).

Literature cited by the submitters: PubMed 19357117; PubMed 22135276; PubMed 22147658; PubMed 26226137; PubMed 30718709; PubMed 31047384; PubMed 32467589.

NM_032119.4(ADGRV1):c.14249_14250del (p.Thr4750fs)

Gene: ADGRV1 (adhesion G protein-coupled receptor V1; plus strand). Cytogenetic location: 5q14.3.
Variant type: Microsatellite.
Coding change: c.14249_14250del on transcript NM_032119.4 (MANE Select); coding-DNA positions 14249 to 14250, 2 bases deleted (CA; older notation c.14249_14250delCA).
Protein change: p.Thr4750fs; shifts the reading frame from threonine 4750.
Molecular consequence: frameshift variant. On other transcripts: non-coding transcript variant (1).
Genome position (GRCh38, 1-based): chr5:90,791,078-90,791,079, CA deleted; deleting any 2 consecutive bases within chr5:90,791,076-90,791,079 gives the same sequence; the c. name uses the placement nearest the transcript's 3' end. VCF-style (leftmost placement, unchanged base first): chr5-90791075-TCA-T. GRCh37 (hg19) VCF-style: chr5-90086892-TCA-T.
Other names: short protein forms T4750fs.
Identifiers: ClinVar variation 2840362 (VCV002840362.3), dbSNP rs2532009048, ClinGen allele CA2739274901.